The following is an entry in ClinVar:

NM_001161352.2(KCNMA1):c.2280G>A (p.Gln760=)

Genes: KCNMA1 (potassium calcium-activated channel subfamily M alpha 1; minus strand), KCNMA1-AS1 (KCNMA1 antisense RNA 1; plus strand). Cytogenetic location: 10q22.3.
Variant type: single nucleotide variant.
Coding change: c.2280G>A on transcript NM_001161352.2 (MANE Select); coding-DNA position 2280, G replaced by A.
Protein change: p.Gln760=; no amino-acid change (glutamine 760 retained).
Molecular consequence: synonymous variant.
Genome position (GRCh38, 1-based): chr10:76,970,054, C>T on the plus strand (G>A on the coding strand, the complement: KCNMA1 is on the minus strand). VCF-style: chr10-76970054-C-T. GRCh37 (hg19) VCF-style: chr10-78729812-C-T.
Other names: c.2118G>A, p.Gln706= (NM_001014797.3, NM_001322835.2, NM_001322837.2); c.2106G>A, p.Gln702= (NM_001161353.2, NM_001322832.2, NM_002247.4); c.1956G>A, p.Gln652= (NM_001271518.2); c.2115G>A, p.Gln705= (NM_001271519.2, NM_001322829.2, NM_001322836.2); c.2127G>A, p.Gln709= (NM_001322830.2); c.1653G>A, p.Gln551= (NM_001322838.2).
Identifiers: ClinVar variation 752804 (VCV000752804.37), dbSNP rs544095112, ClinGen allele CA5568142.

ClinVar aggregate classification (germline): Likely benign. Review status: criteria provided, multiple submitters, no conflicts (2 of 4 stars). 3 submissions from 3 submitters: Likely benign (3). Last evaluated 2026-01-24.

Conditions:
Generalized epilepsy-paroxysmal dyskinesia syndrome (PNKD3). Also called: Paroxysmal nonkinesigenic dyskinesia, 3, with or without generalized epilepsy; Generalized epilepsy and paroxysmal dyskinesia. Identifiers: Orphanet 79137, MedGen C5574945, MONDO:0012276, OMIM 609446.

Allele frequency attached by ClinVar (database versions not stated): gnomAD 0.00001; gnomAD exomes 0.00002 and 0.00008; TOPMed 0.00003; ExAC 0.00008; 1000 Genomes Project 30x 0.00016; 1000 Genomes Project 0.00020.
gnomAD v4.1: 34 of 1,613,810 alleles (0.0021%); highest among the groups gnomAD compares: East Asian, 0.071%; no homozygotes.

Submissions (3):

Labcorp Genetics (formerly Invitae), Labcorp
Classification: Likely benign for Generalized epilepsy-paroxysmal dyskinesia syndrome. Last evaluated: 2026-01-24. Review status: criteria provided, single submitter. Criteria: Invitae Variant Classification Sherloc (09022015). Collection method: clinical testing. Allele origin: germline.

CeGaT Center for Human Genetics Tuebingen
Classification: Likely benign. Last evaluated: 2023-11-01. Review status: criteria provided, single submitter. Criteria: CeGaT Center For Human Genetics Tuebingen Variant Classification Criteria Version 2. Collection method: clinical testing. Allele origin: germline. Affected: yes. Observed: 1 variant allele.
Comment: KCNMA1: BP4, BP7

GeneDx
Classification: Likely benign. Last evaluated: 2018-09-19. Review status: criteria provided, single submitter. Criteria: GeneDx Variant Classification Process June 2021. Collection method: clinical testing. Allele origin: germline. Affected: yes.